The following is an entry in ClinVar:

NM_177438.3(DICER1):c.4416T>G (p.Phe1472Leu)

Gene: DICER1 (dicer 1, ribonuclease III; minus strand). Cytogenetic location: 14q32.13.
Variant type: single nucleotide variant.
Coding change: c.4416T>G on transcript NM_177438.3 (MANE Select); coding-DNA position 4416, T replaced by G.
Protein change: p.Phe1472Leu; replaces phenylalanine 1472 with leucine.
Molecular consequence: missense variant. On other transcripts: non-coding transcript variant (6).
Genome position (GRCh38, 1-based): chr14:95,096,504, A>C on the plus strand (T>G on the coding strand, the complement: DICER1 is on the minus strand). VCF-style: chr14-95096504-A-C. GRCh37 (hg19) VCF-style: chr14-95562841-A-C.
Other names: c.4416T>G, p.Phe1472Leu (NM_001395694.1, NM_001395695.1, NM_001195573.1 and 12 more transcripts); c.4011T>G, p.Phe1337Leu (NM_001395696.1, NM_001395687.1, NM_001395688.1 and 2 more transcripts); c.2733T>G, p.Phe911Leu (NM_001395697.1); c.4134T>G, p.Phe1378Leu (NM_001395686.1); c.3849T>G, p.Phe1283Leu (NM_001395691.1); short protein forms F1472L, F1337L, F1378L, F1283L, F911L.
Identifiers: ClinVar variation 3501885 (VCV003501885.1).

ClinVar aggregate classification (germline): Uncertain significance (1 of 4 stars; one submission).

Conditions:
Hereditary cancer-predisposing syndrome. Also called: Tumor predisposition; Neoplastic Syndromes, Hereditary; Hereditary Cancer Syndrome; Hereditary neoplastic syndrome. Identifiers: Orphanet 140162, MedGen C0027672, MeSH D009386, MONDO:0015356.

Submission:

Ambry Genetics
Classification: Uncertain significance for Hereditary cancer-predisposing syndrome. Last evaluated: 2024-08-19. Review status: criteria provided, single submitter. Criteria: Ambry Variant Classification Scheme 2023. Collection method: clinical testing. Allele origin: germline.
Comment: The p.F1472L variant (also known as c.4416T>G), located in coding exon 22 of the DICER1 gene, results from a T to G substitution at nucleotide position 4416. The phenylalanine at codon 1472 is replaced by leucine, an amino acid with highly similar properties. This amino acid position is conserved. In addition, this alteration is predicted to be tolerated by in silico analysis. Based on the available evidence, the clinical significance of this variant remains unclear.